The following is an entry in ClinVar:

NM_005340.7(HINT1):c.198A>G (p.Ala66=)

Gene: HINT1 (histidine triad nucleotide binding protein 1; minus strand). Cytogenetic location: 5q23.3.
Variant type: single nucleotide variant.
Coding change: c.198A>G on transcript NM_005340.7 (MANE Select); coding-DNA position 198, A replaced by G.
Protein change: p.Ala66=; no amino-acid change (alanine 66 retained).
Molecular consequence: synonymous variant. On other transcripts: non-coding transcript variant (5).
Genome position (GRCh38, 1-based): chr5:131,162,590, T>C on the plus strand (A>G on the coding strand, the complement: HINT1 is on the minus strand). VCF-style: chr5-131162590-T-C. GRCh37 (hg19) VCF-style: chr5-130498283-T-C.
Identifiers: ClinVar variation 705501 (VCV000705501.13), dbSNP rs150581567, ClinGen allele CA3398611.

ClinVar aggregate classification (germline): Benign. Review status: criteria provided, single submitter (1 of 4 stars). 2 submissions from 2 submitters: Benign (1). 1 of the submissions does not count toward it. Last evaluated 2026-01-20.

Conditions:
HINT1-related disorder. Also called: HINT1-related condition.
Autosomal recessive axonal neuropathy with neuromyotonia (NMAN). Also called: Gamstorp-Wohlfart syndrome; MYOKYMIA, MYOTONIA, AND MUSCLE WASTING; Neuromyotonia and axonal neuropathy, autosomal recessive. Identifiers: Orphanet 324442, MedGen C5700127, MONDO:0007646, OMIM 137200.

Allele frequency attached by ClinVar (database versions not stated): ExAC 0.00032; gnomAD 0.00119 and 0.00130; TOPMed 0.00129; 1000 Genomes Project 30x 0.00141; ESP Exome Variant Server 0.00146; 1000 Genomes Project 0.00160.
gnomAD v4.1: 305 of 1,612,118 alleles (0.019%); highest among the groups gnomAD compares: African/African-American, 0.38%; 1 homozygote.

Submissions (2):

Labcorp Genetics (formerly Invitae), Labcorp
Classification: Benign for Autosomal recessive axonal neuropathy with neuromyotonia. Last evaluated: 2026-01-20. Review status: criteria provided, single submitter. Criteria: Invitae Variant Classification Sherloc (09022015). Collection method: clinical testing. Allele origin: germline.

PreventionGenetics, part of Exact Sciences
Classification: Likely benign for HINT1-related condition. Last evaluated: 2020-03-17. Review status: no assertion criteria provided. Collection method: clinical testing. Allele origin: germline. Not counted in ClinVar's aggregate classification.
Comment: This variant is classified as likely benign based on ACMG/AMP sequence variant interpretation guidelines (Richards et al. 2015 PMID: 25741868, with internal and published modifications).